The following is an entry in ClinVar:

ClinVar aggregate classification (germline): Pathogenic (1 of 4 stars; one submission).

Submission:

Labcorp Genetics (formerly Invitae), Labcorp
Classification: Pathogenic. Last evaluated: 2025-12-17. Review status: criteria provided, single submitter. Criteria: Invitae Variant Classification Sherloc (09022015). Collection method: clinical testing. Allele origin: germline.
Comment: This sequence change creates a premature translational stop signal (p.Ser2230Trpfs*29) in the FRAS1 gene. It is expected to result in an absent or disrupted protein product. Loss-of-function variants in FRAS1 are known to be pathogenic (PMID: 12766769, 18671281). This variant is present in population databases (rs774451658, gnomAD 0.007%). This variant has not been reported in the literature in individuals affected with FRAS1-related conditions. For these reasons, this variant has been classified as Pathogenic.

Literature cited by the submitters: PubMed 12766769; PubMed 18671281.

NM_025074.7(FRAS1):c.6688_6689del (p.Ser2230fs)

Gene: FRAS1 (Fraser extracellular matrix complex subunit 1; plus strand). Cytogenetic location: 4q21.21.
Variant type: Deletion.
Coding change: c.6688_6689del on transcript NM_025074.7 (MANE Select); coding-DNA positions 6688 to 6689, 2 bases deleted (AG; older notation c.6688_6689delAG).
Protein change: p.Ser2230fs; shifts the reading frame from serine 2230.
Molecular consequence: frameshift variant.
Genome position (GRCh38, 1-based): chr4:78,452,279-78,452,280, AG deleted. VCF-style (leftmost placement, unchanged base first): chr4-78452278-CAG-C. GRCh37 (hg19) VCF-style: chr4-79373432-CAG-C.
Other names: short protein forms S2230fs.
Identifiers: ClinVar variation 4774784 (VCV004774784.1).